The following is an entry in ClinVar:

ClinVar aggregate classification (germline): Uncertain significance. Review status: criteria provided, multiple submitters, no conflicts (2 of 4 stars). 2 submissions from 2 submitters: Uncertain significance (2). Last evaluated 2024-01-15.

Allele frequency attached by ClinVar (database versions not stated): TOPMed 0.00002.
gnomAD v4.1: 32 of 1,551,322 alleles (0.0021%); highest among the groups gnomAD compares: African/African-American, 0.0027%; no homozygotes.

Submissions (2):

Labcorp Genetics (formerly Invitae), Labcorp
Classification: Uncertain significance. Last evaluated: 2024-01-15. Review status: criteria provided, single submitter. Criteria: Invitae Variant Classification Sherloc (09022015). Collection method: clinical testing. Allele origin: germline.
Comment: This sequence change replaces proline, which is neutral and non-polar, with threonine, which is neutral and polar, at codon 414 of the KPNA7 protein (p.Pro414Thr). This variant is present in population databases (no rsID available, gnomAD 0.004%). This variant has not been reported in the literature in individuals affected with KPNA7-related conditions. ClinVar contains an entry for this variant (Variation ID: 950250). Advanced modeling of protein sequence and biophysical properties (such as structural, functional, and spatial information, amino acid conservation, physicochemical variation, residue mobility, and thermodynamic stability) performed at Invitae indicates that this missense variant is expected to disrupt KPNA7 protein function with a positive predictive value of 80%. In summary, the available evidence is currently insufficient to determine the role of this variant in disease. Therefore, it has been classified as a Variant of Uncertain Significance.

Ambry Genetics
Classification: Uncertain significance. Last evaluated: 2022-05-18. Review status: criteria provided, single submitter. Criteria: Ambry Variant Classification Scheme 2023. Collection method: clinical testing. Allele origin: germline.

NM_001145715.3(KPNA7):c.1240C>A (p.Pro414Thr)

Gene: KPNA7 (karyopherin subunit alpha 7; minus strand). Cytogenetic location: 7q22.1.
Variant type: single nucleotide variant.
Coding change: c.1240C>A on transcript NM_001145715.3 (MANE Select); coding-DNA position 1240, C replaced by A.
Protein change: p.Pro414Thr; replaces proline 414 with threonine.
Molecular consequence: missense variant.
Genome position (GRCh38, 1-based): chr7:99,181,960, G>T on the plus strand (C>A on the coding strand, the complement: KPNA7 is on the minus strand). VCF-style: chr7-99181960-G-T. GRCh37 (hg19) VCF-style: chr7-98779583-G-T.
Other names: short protein forms P414T.
Identifiers: ClinVar variation 950250 (VCV000950250.14), dbSNP rs978701684, ClinGen allele CA163744981.